The following is an entry in ClinVar:

NM_020166.5(MCCC1):c.872del (p.Ala291fs)

Gene: MCCC1 (methylcrotonyl-CoA carboxylase subunit 1; minus strand). Cytogenetic location: 3q27.1.
Variant type: Deletion.
Coding change: c.872del on transcript NM_020166.5 (MANE Select); coding-DNA position 872, one base deleted (C; older notation c.872delC).
Protein change: p.Ala291fs; shifts the reading frame from alanine 291.
Molecular consequence: frameshift variant. On other transcripts: non-coding transcript variant (2).
Genome position (GRCh38, 1-based): chr3:183,057,312, G deleted on the plus strand (C on the coding strand, the reverse complement: MCCC1 is on the minus strand). VCF-style (leftmost placement, unchanged base first): chr3-183057311-CG-C. GRCh37 (hg19) VCF-style: chr3-182775099-CG-C.
Other names: c.521del, p.Ala174fs (NM_001293273.2); c.545del, p.Ala182fs (NM_001363880.1); short protein forms A174fs, A182fs, A291fs.
Identifiers: ClinVar variation 969739 (VCV000969739.12), dbSNP rs748269732, ClinGen allele CA2718954.
Genomic context (GRCh38, chr3:183,057,311, plus strand): 5'-AAAATCAGAGTAAGATTCACATTACGGAGAAGCTTACAAATTTCTTTCCAAGGTCCTTAC[CG>C]CTGGGGCCTCCTCAATGATCTTCTGATGTCGCCTCTGCACACTACAGTCTCTTTCAAACA-3'

ClinVar aggregate classification (germline): Pathogenic/Likely pathogenic. Review status: criteria provided, multiple submitters, no conflicts (2 of 4 stars). 3 submissions from 3 submitters: Pathogenic (1); Likely pathogenic (2). Last evaluated 2024-02-13.

Conditions:
3-methylcrotonyl-CoA carboxylase 1 deficiency (MCC1D). Also called: MCCD TYPE 1; METHYLCROTONYLGLYCINURIA TYPE I; MCC 1 deficiency; 3 Alpha methylcrotonylglycinuria 1. Identifiers: Orphanet 6, MedGen CN028786, MONDO:0008861, OMIM 210200.

Allele frequency attached by ClinVar (database versions not stated): gnomAD exomes below 0.00001 and 0.00001; ExAC 0.00004.

Submissions (3):

Baylor Genetics
Classification: Likely pathogenic for 3-methylcrotonyl-CoA carboxylase 1 deficiency. Last evaluated: 2024-02-13. Review status: criteria provided, single submitter. Criteria: ACMG Guidelines, 2015. Collection method: clinical testing. Allele origin: unknown.

Labcorp Genetics (formerly Invitae), Labcorp
Classification: Pathogenic for 3-methylcrotonyl-CoA carboxylase 1 deficiency. Last evaluated: 2024-01-16. Review status: criteria provided, single submitter. Criteria: Invitae Variant Classification Sherloc (09022015). Collection method: clinical testing. Allele origin: germline.
Comment: This sequence change creates a premature translational stop signal (p.Ala291Glyfs*8) in the MCCC1 gene. It is expected to result in an absent or disrupted protein product. Loss-of-function variants in MCCC1 are known to be pathogenic (PMID: 11181649, 15359379, 22642865). This variant is present in population databases (rs748269732, gnomAD 0.007%). This variant has not been reported in the literature in individuals affected with MCCC1-related conditions. ClinVar contains an entry for this variant (Variation ID: 969739). For these reasons, this variant has been classified as Pathogenic.

Revvity Omics, Revvity
Classification: Likely pathogenic for 3-methylcrotonyl-CoA carboxylase 1 deficiency. Last evaluated: 2021-12-31. Review status: criteria provided, single submitter. Criteria: ACMG Guidelines, 2015. Collection method: clinical testing. Allele origin: germline.

Literature cited by the submitters: PubMed 11181649 (cited by Labcorp Genetics (formerly Invitae), Labcorp); PubMed 15359379 (cited by Labcorp Genetics (formerly Invitae), Labcorp); PubMed 22642865 (cited by Labcorp Genetics (formerly Invitae), Labcorp).